The following is an entry in ClinVar:

ClinVar aggregate classification (germline): Uncertain significance. Review status: criteria provided, multiple submitters, no conflicts (2 of 4 stars). 2 submissions from 2 submitters: Uncertain significance (2). Last evaluated 2024-04-22.

Submissions (2):

Labcorp Genetics (formerly Invitae), Labcorp
Classification: Uncertain significance. Last evaluated: 2024-04-22. Review status: criteria provided, single submitter. Criteria: Invitae Variant Classification Sherloc (09022015). Collection method: clinical testing. Allele origin: germline.
Comment: This sequence change replaces glutamic acid, which is acidic and polar, with glutamine, which is neutral and polar, at codon 1293 of the ABCC6 protein (p.Glu1293Gln). This variant is not present in population databases (gnomAD no frequency). This variant has not been reported in the literature in individuals affected with ABCC6-related conditions. ClinVar contains an entry for this variant (Variation ID: 1366466). Advanced modeling of protein sequence and biophysical properties (such as structural, functional, and spatial information, amino acid conservation, physicochemical variation, residue mobility, and thermodynamic stability) has been performed at Invitae for this missense variant, however the output from this modeling did not meet the statistical confidence thresholds required to predict the impact of this variant on ABCC6 protein function. In summary, the available evidence is currently insufficient to determine the role of this variant in disease. Therefore, it has been classified as a Variant of Uncertain Significance.

Clinical Genetics Laboratory, Skane University Hospital Lund
Classification: Uncertain significance. Last evaluated: 2022-05-27. Review status: criteria provided, single submitter. Criteria: ACMG Guidelines, 2015. Collection method: clinical testing. Allele origin: germline. Affected: yes.

NM_001171.6(ABCC6):c.3877G>C (p.Glu1293Gln)

Gene: ABCC6 (ATP binding cassette subfamily C member 6; minus strand). Cytogenetic location: 16p13.11.
Variant type: single nucleotide variant.
Coding change: c.3877G>C on transcript NM_001171.6 (MANE Select); coding-DNA position 3877, G replaced by C.
Protein change: p.Glu1293Gln; replaces glutamic acid 1293 with glutamine.
Molecular consequence: missense variant. On other transcripts: non-coding transcript variant (1).
Genome position (GRCh38, 1-based): chr16:16,157,668, C>G on the plus strand (G>C on the coding strand, the complement: ABCC6 is on the minus strand). VCF-style: chr16-16157668-C-G. GRCh37 (hg19) VCF-style: chr16-16251525-C-G.
Other names: c.3535G>C, p.Glu1179Gln (NM_001351800.1); c.3877G>C (NM_001171.5); short protein forms E1179Q, E1293Q.
Identifiers: ClinVar variation 1366466 (VCV001366466.6), dbSNP rs63750625, ClinGen allele CA394877390.